The following is an entry in ClinVar:

NM_000350.3(ABCA4):c.288C>A (p.Asn96Lys)

Gene: ABCA4 (ATP binding cassette subfamily A member 4; minus strand). Cytogenetic location: 1p22.1.
Variant type: single nucleotide variant.
Coding change: c.288C>A on transcript NM_000350.3 (MANE Select); coding-DNA position 288, C replaced by A.
Protein change: p.Asn96Lys; replaces asparagine 96 with lysine.
Molecular consequence: missense variant.
Genome position (GRCh38, 1-based): chr1:94,111,452, G>T on the plus strand (C>A on the coding strand, the complement: ABCA4 is on the minus strand). VCF-style: chr1-94111452-G-T. GRCh37 (hg19) VCF-style: chr1-94577008-G-T.
Other names: c.288C>A, p.Asn96Lys (NM_001425324.1); short protein forms N96K.
Identifiers: ClinVar variation 265006 (VCV000265006.11), dbSNP rs886039297, ClinGen allele CA10588305.

ClinVar aggregate classification (germline): Conflicting classifications of pathogenicity. Review status: criteria provided, conflicting classifications (1 of 4 stars). 6 submissions from 6 submitters: Pathogenic (3); Uncertain significance (1). 2 of the submissions do not count toward it. Last evaluated 2024-11-22.

Conditions:
ABCA4-related disorder. Also called: ABCA4-related condition; ABCA4-related disorders. Identifiers: MedGen CN239167.
Retinal dystrophy. Also called: Inherited retinal dystrophy. Identifiers: Orphanet 71862, MedGen C0854723, MeSH D058499, MONDO:0019118, HP:0000556.

Allele frequency attached by ClinVar (database versions not stated): gnomAD exomes below 0.00001; TOPMed below 0.00001.
gnomAD v4.1: 5 of 1,614,032 alleles (0.00031%); highest among the groups gnomAD compares: Middle Eastern, 0.017%; no homozygotes.

Submissions (6):

Blueprint Genetics
Classification: Pathogenic for ABCA4-related disorders. Last evaluated: 2024-11-22. Review status: criteria provided, single submitter. Criteria: ACMG Guidelines, 2015. Collection method: clinical testing. Allele origin: germline. Affected: yes. Observed: 5 variant alleles.

Labcorp Genetics (formerly Invitae), Labcorp
Classification: Pathogenic. Last evaluated: 2024-10-17. Review status: criteria provided, single submitter. Criteria: Invitae Variant Classification Sherloc (09022015). Collection method: clinical testing. Allele origin: germline.
Comment: This sequence change replaces asparagine, which is neutral and polar, with lysine, which is basic and polar, at codon 96 of the ABCA4 protein (p.Asn96Lys). This variant is not present in population databases (gnomAD no frequency). This missense change has been observed in individual(s) with Stargardt disease (PMID: 15192030, 19265867). ClinVar contains an entry for this variant (Variation ID: 265006). Invitae Evidence Modeling of protein sequence and biophysical properties (such as structural, functional, and spatial information, amino acid conservation, physicochemical variation, residue mobility, and thermodynamic stability) indicates that this missense variant is expected to disrupt ABCA4 protein function with a positive predictive value of 95%. This variant disrupts the p.Asn96 amino acid residue in ABCA4. Other variant(s) that disrupt this residue have been determined to be pathogenic (PMID: 28355279, 29925512, 30093795). This suggests that this residue is clinically significant, and that variants that disrupt this residue are likely to be disease-causing. For these reasons, this variant has been classified as Pathogenic.

Institute of Human Genetics, Univ. Regensburg, Univ. Regensburg
Classification: Pathogenic for Retinal dystrophy. Last evaluated: 2020-01-01. Review status: criteria provided, single submitter. Criteria: ACMG Guidelines, 2015. Collection method: clinical testing. Allele origin: germline. Affected: yes.

GeneDx
Classification: Uncertain significance. Last evaluated: 2018-09-28. Review status: criteria provided, single submitter. Criteria: GeneDx Variant Classification (06012015). Collection method: clinical testing. Allele origin: germline. Affected: yes.
Comment: The N96K missense variant has been reported previously in association with Stargardt disease (Stenirri et al., 2004). However, this variant has also been reported on the same allele (in cis) with the G1961E variant in four unrelated individuals (Burke et al., 2012; Nassisi et al., 2018). The N96K variant has also been observed at GeneDx in cis with the G1961E variant. The N96K variant is not observed in large population cohorts (Lek et al., 2016). The N96K variant is a semi-conservative amino acid substitution, which may impact secondary protein structure as these residues differ in some properties. In-silico analyses, including protein predictors and evolutionary conservation, support a deleterious effect. Two other missense variants at this codon (N96H and N96D) have also been reported in association with Stargardt disease (Papaioannou et al., 2000). In summary, based on the currently available information, it is unclear whether this variant is a pathogenic variant or a rare benign variant.

Clinical Genetics, Academic Medical Center
Classification: Uncertain significance. Review status: no assertion criteria provided. Collection method: clinical testing. Allele origin: germline. Affected: yes. Study: VKGL Data-share Consensus. Not counted in ClinVar's aggregate classification.

Joint Genome Diagnostic Labs from Nijmegen and Maastricht, Radboudumc and MUMC+
Classification: Uncertain significance. Review status: no assertion criteria provided. Collection method: clinical testing. Allele origin: germline. Affected: yes. Study: VKGL Data-share Consensus. Not counted in ClinVar's aggregate classification.

Literature cited by the submitters: PubMed 15192030 (cited by Labcorp Genetics (formerly Invitae), Labcorp and Institute of Human Genetics, Univ. Regensburg, Univ. Regensburg); PubMed 19265867 (cited by Labcorp Genetics (formerly Invitae), Labcorp); PubMed 28355279 (cited by Labcorp Genetics (formerly Invitae), Labcorp); PubMed 29925512 (cited by Labcorp Genetics (formerly Invitae), Labcorp); PubMed 30093795 (cited by Labcorp Genetics (formerly Invitae), Labcorp); PubMed 34327195 (cited by Institute of Human Genetics, Univ. Regensburg, Univ. Regensburg); PubMed 35260635 (cited by Institute of Human Genetics, Univ. Regensburg, Univ. Regensburg); PubMed 36460718 (cited by Institute of Human Genetics, Univ. Regensburg, Univ. Regensburg).